The following is an entry in ClinVar:

NM_000719.7(CACNA1C):c.5117A>G (p.His1706Arg)

Genes: CACNA1C (calcium voltage-gated channel subunit alpha1 C; plus strand), CACNA1C-AS1 (CACNA1C antisense RNA 1; minus strand). Cytogenetic location: 12p13.33.
Variant type: single nucleotide variant.
Coding change: c.5117A>G on transcript NM_000719.7 (MANE Select); coding-DNA position 5117, A replaced by G.
Protein change: p.His1706Arg; replaces histidine 1706 with arginine.
Molecular consequence: missense variant.
Genome position (GRCh38, 1-based): chr12:2,679,469, A>G. VCF-style: chr12-2679469-A-G. GRCh37 (hg19) VCF-style: chr12-2788635-A-G.
Other names: c.5261A>G, p.His1754Arg (NM_001129827.2, NM_199460.4); c.5240A>G, p.His1747Arg (NM_001129829.2); c.5117A>G, p.His1706Arg (NM_001129830.3, NM_001129840.2, NM_001129841.2 and 4 more transcripts); c.5201A>G, p.His1734Arg (NM_001129831.2); c.5177A>G, p.His1726Arg (NM_001129832.2); c.5174A>G, p.His1725Arg (NM_001129833.2, NM_001129834.2, NM_001129835.2); c.5168A>G, p.His1723Arg (NM_001129836.2); c.5141A>G, p.His1714Arg (NM_001129837.2, NM_001129838.2); and 3 more; short protein forms H1695R, H1703R, H1706R, H1712R, H1714R, H1723R, H1725R, H1726R.
Identifiers: ClinVar variation 3377907 (VCV003377907.1).
Genomic context (GRCh38, chr12:2,679,469, plus strand): 5'-GGGCTTCTCCACCCACCCCTCCTTCTTGCCTACAGAGGGCCGGTGGCCTGTTCGGCAACC[A>G]CGTCAGCTACTACCAAAGCGACGGCCGGAGCGCCTTCCCCCAGACCTTCACCACTCAGCG-3'
Protein context (NP_000710.5, residues 1696-1716): FRRAGGLFGN[His1706Arg]VSYYQSDGRS

ClinVar aggregate classification (germline): Uncertain significance (1 of 4 stars; one submission).

Submission:

GeneDx
Classification: Uncertain significance. Last evaluated: 2024-05-15. Review status: criteria provided, single submitter. Criteria: GeneDx Variant Classification Process June 2021. Collection method: clinical testing. Allele origin: germline. Affected: yes.
Comment: Not observed at significant frequency in large population cohorts (gnomAD); In silico analysis supports that this missense variant has a deleterious effect on protein structure/function; Has not been previously published as pathogenic or benign to our knowledge